The following is an entry in ClinVar:

ClinVar aggregate classification (germline): Uncertain significance. Review status: criteria provided, multiple submitters, no conflicts (2 of 4 stars). 2 submissions from 2 submitters: Uncertain significance (2). Last evaluated 2025-06-12.

Allele frequency attached by ClinVar (database versions not stated): gnomAD exomes 0.00003; ESP Exome Variant Server 0.00015; TOPMed 0.00003; ExAC 0.00002; gnomAD 0.00004.
gnomAD v4.1: 46 of 1,609,186 alleles (0.0029%); highest among the groups gnomAD compares: Non-Finnish European, 0.0036%; no homozygotes.

Submissions (2):

Ambry Genetics
Classification: Uncertain significance. Last evaluated: 2025-06-12. Review status: criteria provided, single submitter. Criteria: Ambry Variant Classification Scheme 2023. Collection method: clinical testing. Allele origin: germline.

GeneDx
Classification: Uncertain significance. Last evaluated: 2022-11-18. Review status: criteria provided, single submitter. Criteria: GeneDx Variant Classification Process June 2021. Collection method: clinical testing. Allele origin: germline. Affected: yes.
Comment: In silico analysis supports that this missense variant has a deleterious effect on protein structure/function; Has not been previously published as pathogenic or benign to our knowledge

NM_138775.3(ALKBH8):c.259T>C (p.Tyr87His)

Gene: ALKBH8 (alkB homolog 8, tRNA methyltransferase; minus strand). Cytogenetic location: 11q22.3.
Variant type: single nucleotide variant.
Coding change: c.259T>C on transcript NM_138775.3 (MANE Select); coding-DNA position 259, T replaced by C.
Protein change: p.Tyr87His; replaces tyrosine 87 with histidine.
Molecular consequence: missense variant. On other transcripts: non-coding transcript variant (6).
Genome position (GRCh38, 1-based): chr11:107,556,874, A>G on the plus strand (T>C on the coding strand, the complement: ALKBH8 is on the minus strand). VCF-style: chr11-107556874-A-G. GRCh37 (hg19) VCF-style: chr11-107427600-A-G.
Other names: c.259T>C, p.Tyr87His (NM_001301010.3, NM_001378133.1); short protein forms Y87H.
Identifiers: ClinVar variation 2203783 (VCV002203783.4), dbSNP rs372859100, ClinGen allele CA6261291.
Genomic context (GRCh38, chr11:107,556,874, plus strand): 5'-CCACTACTTCTTTTCCATTGAGGGTAACATAGGCTCTCTTAGATTCTTCTGTAGTTCTGT[A>G]TCTTGCAAATGAGTACGGCTTGTTAGGTGGCATTAAGAGAGCATCCACCAGTCCACATTT-3'
Protein context (NP_620130.2, residues 77-97): PPNKPYSFAR[Tyr87His]RTTEESKRAY